The following is an entry in ClinVar:

ClinVar aggregate classification (germline): Uncertain significance. Review status: criteria provided, multiple submitters, no conflicts (2 of 4 stars). 3 submissions from 3 submitters: Uncertain significance (3). Last evaluated 2026-08-05.

Conditions:
X-linked intellectual disability with marfanoid habitus. Also called: X-linked mental retardation with marfanoid habitus syndrome; INTELLECTUAL DEVELOPMENTAL DISORDER, X-LINKED, SYNDROMIC, LUJAN-FRYNS TYPE; Lujan Syndrome (LS); Lujan Syndrome. Identifiers: Orphanet 776, MedGen C0796022, MONDO:0010655, OMIM 309520.
FG syndrome (FGS). Identifiers: MedGen C0220769, MONDO:0002010.

Allele frequency attached by ClinVar (database versions not stated): gnomAD exomes below 0.00001.

Submissions (3):

GeneDx
Classification: Uncertain significance. Last evaluated: 2026-08-05. Review status: criteria provided, single submitter. Criteria: GeneDx Variant Classification Process June 2021. Collection method: clinical testing. Allele origin: germline.
Comment: Not observed at significant frequency in large population cohorts (gnomAD); In silico analysis suggests that this missense variant does not alter protein structure/function; This variant is associated with the following publications: (PMID: 36801247)

Labcorp Genetics (formerly Invitae), Labcorp
Classification: Uncertain significance for FG syndrome. Last evaluated: 2024-12-20. Review status: criteria provided, single submitter. Criteria: Invitae Variant Classification Sherloc (09022015). Collection method: clinical testing. Allele origin: germline.
Comment: This sequence change replaces arginine, which is basic and polar, with glutamine, which is neutral and polar, at codon 850 of the MED12 protein (p.Arg850Gln). This variant is not present in population databases (gnomAD no frequency). This missense change has been observed in individual(s) with clinical features of neurodevelopmental disorders (PMID: 36801247). ClinVar contains an entry for this variant (Variation ID: 938946). Invitae Evidence Modeling of protein sequence and biophysical properties (such as structural, functional, and spatial information, amino acid conservation, physicochemical variation, residue mobility, and thermodynamic stability) indicates that this missense variant is not expected to disrupt MED12 protein function with a negative predictive value of 95%. In summary, the available evidence is currently insufficient to determine the role of this variant in disease. Therefore, it has been classified as a Variant of Uncertain Significance.

Neuberg Centre For Genomic Medicine, NCGM
Classification: Uncertain significance for X-linked intellectual disability with marfanoid habitus. Review status: criteria provided, single submitter. Criteria: ACMG Guidelines, 2015. Collection method: clinical testing. Allele origin: germline. Affected: yes.
Comment: The amino acid Arg at position 850 is changed to a Gln changing protein sequence and it might alter its composition and physico-chemical properties. The p.Arg850Gln variant is novel (not in any individuals) in gnomAD Exomes and 1000 Genomes. The residue is conserved across species. The amino acid change p.Arg850Gln in MED12 is predicted as conserved by GERP++ and PhyloP across 100 vertebrates. In silico tools predict the variant to be tolerated. For these reasons, this variant has been classified as Uncertain Significance.

Literature cited by the submitters: PubMed 36801247 (cited by Labcorp Genetics (formerly Invitae), Labcorp).

NM_005120.3(MED12):c.2549G>A (p.Arg850Gln)

Gene: MED12 (mediator complex subunit 12; plus strand). Cytogenetic location: Xq13.1.
Variant type: single nucleotide variant.
Coding change: c.2549G>A on transcript NM_005120.3 (MANE Select); coding-DNA position 2549, G replaced by A.
Protein change: p.Arg850Gln; replaces arginine 850 with glutamine.
Molecular consequence: missense variant.
Genome position (GRCh38, 1-based): chrX:71,126,348, G>A. VCF-style: chrX-71126348-G-A. GRCh37 (hg19) VCF-style: chrX-70346198-G-A.
Other names: short protein forms R850Q.
Identifiers: ClinVar variation 938946 (VCV000938946.13), dbSNP rs2092303365, ClinGen allele CA413515689.